The following is an entry in ClinVar:

NM_025137.4(SPG11):c.935G>T (p.Gly312Val)

Gene: SPG11 (SPG11 vesicle trafficking associated, spatacsin; minus strand). Cytogenetic location: 15q21.1.
Variant type: single nucleotide variant.
Coding change: c.935G>T on transcript NM_025137.4 (MANE Select); coding-DNA position 935, G replaced by T.
Protein change: p.Gly312Val; replaces glycine 312 with valine.
Molecular consequence: missense variant.
Genome position (GRCh38, 1-based): chr15:44,652,201, C>A on the plus strand (G>T on the coding strand, the complement: SPG11 is on the minus strand). VCF-style: chr15-44652201-C-A. GRCh37 (hg19) VCF-style: chr15-44944399-C-A.
Other names: c.935G>T, p.Gly312Val (NM_001160227.2, NM_001411132.1); short protein forms G312V.
Identifiers: ClinVar variation 2061581 (VCV002061581.4), dbSNP rs774273136, ClinGen allele CA392236965.

ClinVar aggregate classification (germline): Uncertain significance (1 of 4 stars; one submission).

Conditions:
Hereditary spastic paraplegia 11. Also called: Spastic Paraplegia 11; Spastic paraplegia, mental retardation and thin corpus callosum; Nakamura Osame syndrome; Autosomal recessive hereditary spastic paraplegia, mental impairment, and thin corpus callosum; SPASTIC PARAPLEGIA, AUTOSOMAL RECESSIVE, COMPLICATED, WITH THIN CORPUS CALLOSUM; SPASTIC PARAPLEGIA, AUTOSOMAL RECESSIVE, WITH MENTAL IMPAIRMENT AND THIN CORPUS CALLOSUM. Identifiers: Orphanet 2822, MedGen C1858479, MONDO:0011445, OMIM 604360.

gnomAD v4.1: 1 of 1,614,062 alleles (0.000062%); highest among the groups gnomAD compares: African/African-American, 0.0013%; no homozygotes.

Submission:

Labcorp Genetics (formerly Invitae), Labcorp
Classification: Uncertain significance for Hereditary spastic paraplegia 11. Last evaluated: 2022-10-25. Review status: criteria provided, single submitter. Criteria: Invitae Variant Classification Sherloc (09022015). Collection method: clinical testing. Allele origin: germline.
Comment: Advanced modeling of protein sequence and biophysical properties (such as structural, functional, and spatial information, amino acid conservation, physicochemical variation, residue mobility, and thermodynamic stability) has been performed at Invitae for this missense variant, however the output from this modeling did not meet the statistical confidence thresholds required to predict the impact of this variant on SPG11 protein function. This variant is not present in population databases (gnomAD no frequency). This sequence change replaces glycine, which is neutral and non-polar, with valine, which is neutral and non-polar, at codon 312 of the SPG11 protein (p.Gly312Val). This variant has not been reported in the literature in individuals affected with SPG11-related conditions. In summary, the available evidence is currently insufficient to determine the role of this variant in disease. Therefore, it has been classified as a Variant of Uncertain Significance.